The following is an entry in ClinVar:

NM_033124.5(DRC2):c.710C>T (p.Thr237Ile)

Gene: DRC2 (dynein regulatory complex subunit 2; plus strand). Cytogenetic location: 12q13.12.
Variant type: single nucleotide variant.
Coding change: c.710C>T on transcript NM_033124.5 (MANE Select); coding-DNA position 710, C replaced by T.
Protein change: p.Thr237Ile; replaces threonine 237 with isoleucine.
Molecular consequence: missense variant.
Genome position (GRCh38, 1-based): chr12:48,918,375, C>T. VCF-style: chr12-48918375-C-T. GRCh37 (hg19) VCF-style: chr12-49312158-C-T.
Other names: c.281C>T, p.Thr94Ile (NM_001286957.2); short protein forms T237I, T94I.
Identifiers: ClinVar variation 411130 (VCV000411130.6), dbSNP rs372541279, ClinGen allele CA6543316.

ClinVar aggregate classification (germline): Uncertain significance (1 of 4 stars; one submission).

Conditions:
Primary ciliary dyskinesia 27. Also called: CILIARY DYSKINESIA, PRIMARY, 27, WITHOUT SITUS INVERSUS. Identifiers: Orphanet 244, MedGen C3809701, MONDO:0014215, OMIM 615504.

Allele frequency attached by ClinVar (database versions not stated): gnomAD 0.00002; gnomAD exomes 0.00003 and 0.00004; TOPMed 0.00004; ExAC 0.00005; ESP Exome Variant Server 0.00008.
gnomAD v4.1: 61 of 1,614,036 alleles (0.0038%); highest among the groups gnomAD compares: Non-Finnish European, 0.005%; no homozygotes.

Submission:

Labcorp Genetics (formerly Invitae), Labcorp
Classification: Uncertain significance for Primary ciliary dyskinesia 27. Last evaluated: 2021-08-27. Review status: criteria provided, single submitter. Criteria: Invitae Variant Classification Sherloc (09022015). Collection method: clinical testing. Allele origin: germline.
Comment: This sequence change replaces threonine with isoleucine at codon 237 of the CCDC65 protein (p.Thr237Ile). The threonine residue is highly conserved and there is a moderate physicochemical difference between threonine and isoleucine. This variant is present in population databases (rs372541279, ExAC 0.009%). This variant has not been reported in the literature in individuals affected with CCDC65-related conditions. Algorithms developed to predict the effect of missense changes on protein structure and function are either unavailable or do not agree on the potential impact of this missense change (SIFT: "Deleterious"; PolyPhen-2: "Probably Damaging"; Align-GVGD: "Class C15"). In summary, the available evidence is currently insufficient to determine the role of this variant in disease. Therefore, it has been classified as a Variant of Uncertain Significance.